The following is an entry in ClinVar:

ClinVar aggregate classification (germline): Uncertain significance (1 of 4 stars; one submission).

Conditions:
KBG syndrome (KBGS). Also called: ANKRD11-Related KBG Syndrome. Identifiers: Orphanet 2332, MedGen C0220687, MONDO:0007846, OMIM 148050.

Allele frequency attached by ClinVar (database versions not stated): ExAC 0.00001.

Submission:

Labcorp Genetics (formerly Invitae), Labcorp
Classification: Uncertain significance for KBG syndrome. Last evaluated: 2022-04-10. Review status: criteria provided, single submitter. Criteria: Invitae Variant Classification Sherloc (09022015). Collection method: clinical testing. Allele origin: germline.
Comment: In summary, the available evidence is currently insufficient to determine the role of this variant in disease. Therefore, it has been classified as a Variant of Uncertain Significance. Advanced modeling of protein sequence and biophysical properties (such as structural, functional, and spatial information, amino acid conservation, physicochemical variation, residue mobility, and thermodynamic stability) performed at Invitae indicates that this missense variant is not expected to disrupt ANKRD11 protein function. This sequence change replaces serine, which is neutral and polar, with glycine, which is neutral and non-polar, at codon 892 of the ANKRD11 protein (p.Ser892Gly). This variant is present in population databases (rs777850775, gnomAD 0.0009%). This variant has not been reported in the literature in individuals affected with ANKRD11-related conditions.

NM_013275.6(ANKRD11):c.2674A>G (p.Ser892Gly)

Gene: ANKRD11 (ankyrin repeat domain 11; minus strand). Cytogenetic location: 16q24.3.
Variant type: single nucleotide variant.
Coding change: c.2674A>G on transcript NM_013275.6 (MANE Select); coding-DNA position 2674, A replaced by G.
Protein change: p.Ser892Gly; replaces serine 892 with glycine.
Molecular consequence: missense variant.
Genome position (GRCh38, 1-based): chr16:89,283,868, T>C on the plus strand (A>G on the coding strand, the complement: ANKRD11 is on the minus strand). VCF-style: chr16-89283868-T-C. GRCh37 (hg19) VCF-style: chr16-89350276-T-C.
Other names: c.2674A>G, p.Ser892Gly (NM_001256182.2, NM_001256183.2); short protein forms S892G.
Identifiers: ClinVar variation 2124421 (VCV002124421.4), dbSNP rs777850775, ClinGen allele CA8242540.
Genomic context (GRCh38, chr16:89,283,868, plus strand): 5'-AGTCCCTGTCCTTCTTTCGGAAGAAGGGCTCTCTGTAGTCTCGCTTCTCCCGGGCCCGGC[T>C]GTCCCGCCTCCTCTCCTTGCTGTCCTCCTTCACCGTCTCCAAGATGAGCTTGGCCACAGA-3'
Protein context (NP_037407.4, residues 882-902): KEDSKERRRD[Ser892Gly]RAREKRDYRE